The following is an entry in ClinVar:

ClinVar aggregate classification (germline): Pathogenic. Review status: no assertion criteria provided (0 of 4 stars). 2 submissions from 2 submitters: Pathogenic (1). 1 of the submissions does not count toward it. Last evaluated 2005-07-30.

Conditions:
Migraine, familial hemiplegic, 3. Identifiers: Orphanet 569, MedGen C1864987, MONDO:0012320, OMIM 609634.

Submissions (3):

OMIM
Classification: Pathogenic for MIGRAINE, FAMILIAL HEMIPLEGIC, 3. Last evaluated: 2005-07-30. Review status: no assertion criteria provided. Collection method: literature only. Allele origin: germline.

Channelopathy-Associated Epilepsy Research Center
No classification provided (evidence only). Condition: Severe myoclonic epilepsy in infancy. Review status: no classification provided. Collection method: literature only. Allele origin: not applicable. Functional consequence: Mild depolarizing shift of voltage dependence of fast inactivation, Acceleration of recovery from fast inactivation, Severe increase in persistent current, Mild decrease in peak current, Normal voltage dependence of activation, Acceleration of entry into slow inactivation, Normal recovery from slow inactivation, Normal voltage dependence of slow inactivation, Overall gain-of-function. Not counted in ClinVar's aggregate classification.
ClinVar note: "not provided" was previously submitted as the classification for the variant. However, the classification appeared to be based only on an observation of functional data so it was converted to no classification on 2025-07-30.

UniProtKB/Swiss-Prot
No classification provided. Condition: Familial hemiplegic migraine type 3. Review status: no classification provided. Collection method: not provided. Allele origin: not provided. Not counted in ClinVar's aggregate classification.

Literature cited by the submitters: PubMed 16054936 (cited by OMIM); PubMed 18632931 (cited by Channelopathy-Associated Epilepsy Research Center).

NM_001165963.4(SCN1A):c.4465C>A (p.Gln1489Lys)

Genes: SCN1A (sodium voltage-gated channel alpha subunit 1; minus strand), LOC102724058 (uncharacterized LOC102724058; plus strand). Cytogenetic location: 2q24.3.
Variant type: single nucleotide variant.
Coding change: c.4465C>A on transcript NM_001165963.4 (MANE Select); coding-DNA position 4465, C replaced by A.
Protein change: p.Gln1489Lys; replaces glutamine 1489 with lysine.
Molecular consequence: missense variant. On other transcripts: non-coding transcript variant (1).
Genome position (GRCh38, 1-based): chr2:165,998,049, G>T on the plus strand (C>A on the coding strand, the complement: SCN1A is on the minus strand). VCF-style: chr2-165998049-G-T. GRCh37 (hg19) VCF-style: chr2-166854559-G-T.
Other names: c.4381C>A, p.Gln1461Lys (NM_001165964.3, NM_001353957.2, NM_001353958.2); c.4465C>A, p.Gln1489Lys (NM_001202435.3, NM_001353948.2); c.4432C>A, p.Gln1478Lys (NM_001353949.2, NM_001353950.2, NM_001353951.2 and 2 more transcripts); c.4429C>A, p.Gln1477Lys (NM_001353954.2, NM_001353955.2); c.4378C>A, p.Gln1460Lys (NM_001353960.2); c.2023C>A, p.Gln675Lys (NM_001353961.2); short protein forms Q1489K, Q1478K, Q1477K, Q675K, Q1460K, Q1461K.
Identifiers: ClinVar variation 12893 (VCV000012893.3), dbSNP rs121918628, ClinGen allele CA256608.